The following is an entry in ClinVar:

ClinVar aggregate classification (germline): Likely benign. Review status: criteria provided, multiple submitters, no conflicts (2 of 4 stars). 2 submissions from 2 submitters: Likely benign (2). Last evaluated 2023-07-07.

Conditions:
Intellectual developmental disorder, autosomal dominant 1. Also called: MBD5 Haploinsufficiency; Intellectual disability, autosomal dominant 1. Identifiers: Orphanet 228402, MedGen C1969562, MONDO:0007974, OMIM 156200.

Allele frequency attached by ClinVar (database versions not stated): TOPMed below 0.00001; gnomAD exomes 0.00001; ExAC 0.00002.
gnomAD v4.1: 6 of 1,614,198 alleles (0.00037%); highest among the groups gnomAD compares: Admixed American, 0.0017%; no homozygotes.

Submissions (2):

Labcorp Genetics (formerly Invitae), Labcorp
Classification: Likely benign for Intellectual developmental disorder, autosomal dominant 1. Last evaluated: 2023-07-07. Review status: criteria provided, single submitter. Criteria: Invitae Variant Classification Sherloc (09022015). Collection method: clinical testing. Allele origin: germline.

GeneDx
Classification: Likely benign. Last evaluated: 2016-11-16. Review status: criteria provided, single submitter. Criteria: GeneDx Variant Classification (06012015). Collection method: clinical testing. Allele origin: germline. Affected: yes.
Comment: This variant is considered likely benign or benign based on one or more of the following criteria: it is a conservative change, it occurs at a poorly conserved position in the protein, it is predicted to be benign by multiple in silico algorithms, and/or has population frequency not consistent with disease.

NM_001378120.1(MBD5):c.4929C>T (p.His1643=)

Gene: MBD5 (methyl-CpG binding domain protein 5; plus strand). Cytogenetic location: 2q23.1.
Variant type: single nucleotide variant.
Coding change: c.4929C>T on transcript NM_001378120.1 (MANE Select); coding-DNA position 4929, C replaced by T.
Protein change: p.His1643=; no amino-acid change (histidine 1643 retained).
Molecular consequence: synonymous variant.
Genome position (GRCh38, 1-based): chr2:148,490,561, C>T. VCF-style: chr2-148490561-C-T. GRCh37 (hg19) VCF-style: chr2-149248130-C-T.
Other names: c.4230C>T, p.His1410= (NM_018328.5).
Identifiers: ClinVar variation 390943 (VCV000390943.9), dbSNP rs773406626, ClinGen allele CA1900486.